The following is an entry in ClinVar:

ClinVar aggregate classification (germline): Uncertain significance (1 of 4 stars; one submission).

Allele frequency attached by ClinVar (database versions not stated): gnomAD exomes 0.00001; TOPMed 0.00001.
gnomAD v4.1: 19 of 1,613,742 alleles (0.0012%); highest among the groups gnomAD compares: East Asian, 0.0022%; no homozygotes.

Submission:

Labcorp Genetics (formerly Invitae), Labcorp
Classification: Uncertain significance. Last evaluated: 2022-01-27. Review status: criteria provided, single submitter. Criteria: Invitae Variant Classification Sherloc (09022015). Collection method: clinical testing. Allele origin: germline.
Comment: This sequence change replaces arginine, which is basic and polar, with tryptophan, which is neutral and slightly polar, at codon 191 of the CD40 protein (p.Arg191Trp). This variant is present in population databases (no rsID available, gnomAD 0.009%). This variant has not been reported in the literature in individuals affected with CD40-related conditions. Algorithms developed to predict the effect of missense changes on protein structure and function are either unavailable or do not agree on the potential impact of this missense change (SIFT: "Deleterious"; PolyPhen-2: "Probably Damaging"; Align-GVGD: "Class C15"). In summary, the available evidence is currently insufficient to determine the role of this variant in disease. Therefore, it has been classified as a Variant of Uncertain Significance.

NM_001250.6(CD40):c.571C>T (p.Arg191Trp)

Gene: CD40 (CD40 molecule; plus strand). Cytogenetic location: 20q13.12.
Variant type: single nucleotide variant.
Coding change: c.571C>T on transcript NM_001250.6 (MANE Select); coding-DNA position 571, C replaced by T.
Protein change: p.Arg191Trp; replaces arginine 191 with tryptophan.
Molecular consequence: missense variant. On other transcripts: non-coding transcript variant (2).
Genome position (GRCh38, 1-based): chr20:46,128,149, C>T. VCF-style: chr20-46128149-C-T. GRCh37 (hg19) VCF-style: chr20-44756788-C-T.
Other names: c.611C>T, p.Ser204Leu (NM_001302753.2); c.571C>T, p.Arg191Trp (NM_001322421.2, NM_001362758.2); c.415C>T, p.Arg139Trp (NM_001322422.2); c.509C>T, p.Ser170Leu (NM_152854.4); short protein forms S170L, R139W, S204L, R191W.
Identifiers: ClinVar variation 1907187 (VCV001907187.2), dbSNP rs1361629901, ClinGen allele CA409209013.